The following is an entry in ClinVar:

NM_004006.3(DMD):c.170T>C (p.Leu57Pro)

Gene: DMD (dystrophin; minus strand). Cytogenetic location: Xp21.1.
Variant type: single nucleotide variant.
Coding change: c.170T>C on transcript NM_004006.3 (MANE Select); coding-DNA position 170, T replaced by C.
Protein change: p.Leu57Pro; replaces leucine 57 with proline.
Molecular consequence: missense variant. On other transcripts: 5 prime UTR variant (1).
Genome position (GRCh38, 1-based): chrX:32,849,744, A>G on the plus strand (T>C on the coding strand, the complement: DMD is on the minus strand). VCF-style: chrX-32849744-A-G. GRCh37 (hg19) VCF-style: chrX-32867861-A-G.
Other names: c.146T>C, p.Leu49Pro (NM_000109.4); c.170T>C (NM_004006.2); c.158T>C, p.Leu53Pro (NM_004009.3); c.-200T>C (NM_004010.3); short protein forms L57P, L49P, L53P.
Identifiers: ClinVar variation 290352 (VCV000290352.7), dbSNP rs886044431, ClinGen allele CA10606746.
Genomic context (GRCh38, chrX:32,849,744, plus strand): 5'-TCTACTAAGTTTAAAGTTAACTTTCTTAAAAATAAGTCACATACCAGTTTTTGCCCTGTC[A>G]GGCCTTCGAGGAGGTCTAGGAGGCGCCTCCCATCCTGTAGGTCACTGAAGAGGTTCTCAA-3'
Protein context (NP_003997.2, residues 47-67): GRRLLDLLEG[Leu57Pro]TGQKLPKEKG

ClinVar aggregate classification (germline): Uncertain significance. Review status: criteria provided, multiple submitters, no conflicts (2 of 4 stars). 3 submissions from 3 submitters: Uncertain significance (3). Last evaluated 2023-02-23.

Conditions:
Becker muscular dystrophy (BMD). Also called: MUSCULAR DYSTROPHY, PSEUDOHYPERTROPHIC PROGRESSIVE, BECKER TYPE; Becker Muscular Dystrophy (BMD). Identifiers: Orphanet 98895, MedGen C0917713, MONDO:0010311, OMIM 300376.

Submissions (3):

GeneDx
Classification: Uncertain significance. Last evaluated: 2023-02-23. Review status: criteria provided, single submitter. Criteria: GeneDx Variant Classification Process June 2021. Collection method: clinical testing. Allele origin: germline. Affected: yes.
Comment: Not observed at significant frequency in large population cohorts (gnomAD); In silico analysis supports that this missense variant has a deleterious effect on protein structure/function; Has not been previously published as pathogenic or benign to our knowledge

Laboratory of Medical Genetics, National & Kapodistrian University of Athens
Classification: Uncertain significance for Becker muscular dystrophy. Last evaluated: 2022-12-16. Review status: criteria provided, single submitter. Criteria: ACMG Guidelines, 2015. Collection method: clinical testing. Allele origin: germline. Affected: yes.
Comment: PM2,PM5,PP3

Eurofins Ntd Llc (ga)
Classification: Uncertain significance. Last evaluated: 2016-08-22. Review status: criteria provided, single submitter. Criteria: EGL Classification Definitions 2015. Collection method: clinical testing. Allele origin: germline. Observed: 1 variant allele, 1 hemizygote.